The following is an entry in ClinVar:

ClinVar aggregate classification (germline): Uncertain significance (1 of 4 stars; one submission).

Conditions:
Hereditary cancer-predisposing syndrome. Also called: Tumor predisposition; Neoplastic Syndromes, Hereditary; Hereditary Cancer Syndrome; Hereditary neoplastic syndrome. Identifiers: Orphanet 140162, MedGen C0027672, MeSH D009386, MONDO:0015356.

Submission:

Ambry Genetics
Classification: Uncertain significance for Hereditary cancer-predisposing syndrome. Last evaluated: 2020-02-26. Review status: criteria provided, single submitter. Criteria: Ambry Variant Classification Scheme 2023. Collection method: clinical testing. Allele origin: germline.
Comment: The p.D108Y variant (also known as c.322G>T), located in coding exon 2 of the RAD51C gene, results from a G to T substitution at nucleotide position 322. The aspartic acid at codon 108 is replaced by tyrosine, an amino acid with highly dissimilar properties. This amino acid position is highly conserved in available vertebrate species. In addition, this alteration is predicted to be deleterious by in silico analysis. Since supporting evidence is limited at this time, the clinical significance of this alteration remains unclear.

NM_058216.3(RAD51C):c.322G>T (p.Asp108Tyr)

Gene: RAD51C (RAD51 paralog C; plus strand). Cytogenetic location: 17q22.
Variant type: single nucleotide variant.
Coding change: c.322G>T on transcript NM_058216.3 (MANE Select); coding-DNA position 322, G replaced by T.
Protein change: p.Asp108Tyr; replaces aspartic acid 108 with tyrosine.
Molecular consequence: missense variant. On other transcripts: non-coding transcript variant (2).
Genome position (GRCh38, 1-based): chr17:58,695,107, G>T. VCF-style: chr17-58695107-G-T. GRCh37 (hg19) VCF-style: chr17-56772468-G-T.
Other names: c.322G>T, p.Asp108Tyr (NM_002876.4, NM_058217.1); short protein forms D108Y.
Identifiers: ClinVar variation 1729179 (VCV001729179.2), dbSNP rs1567786361, ClinGen allele CA400341215.